The following is an entry in ClinVar:

ClinVar aggregate classification (germline): Uncertain significance (1 of 4 stars; one submission).

Submission:

Labcorp Genetics (formerly Invitae), Labcorp
Classification: Uncertain significance. Last evaluated: 2026-01-27. Review status: criteria provided, single submitter. Criteria: Invitae Variant Classification Sherloc (09022015). Collection method: clinical testing. Allele origin: germline.
Comment: This sequence change replaces isoleucine, which is neutral and non-polar, with valine, which is neutral and non-polar, at codon 562 of the SIX5 protein (p.Ile562Val). This variant is present in population databases (rs778114657, gnomAD 0.02%). This variant has not been reported in the literature in individuals affected with SIX5-related conditions. Invitae Evidence Modeling of protein sequence and biophysical properties (such as structural, functional, and spatial information, amino acid conservation, physicochemical variation, residue mobility, and thermodynamic stability) indicates that this missense variant is not expected to disrupt SIX5 protein function with a negative predictive value of 80%. In summary, the available evidence is currently insufficient to determine the role of this variant in disease. Therefore, it has been classified as a Variant of Uncertain Significance.

NM_175875.5(SIX5):c.1684A>G (p.Ile562Val)

Gene: SIX5 (SIX homeobox 5; minus strand). Cytogenetic location: 19q13.32.
Variant type: single nucleotide variant.
Coding change: c.1684A>G on transcript NM_175875.5 (MANE Select); coding-DNA position 1684, A replaced by G.
Protein change: p.Ile562Val; replaces isoleucine 562 with valine.
Molecular consequence: missense variant.
Genome position (GRCh38, 1-based): chr19:45,766,037, T>C on the plus strand (A>G on the coding strand, the complement: SIX5 is on the minus strand). VCF-style: chr19-45766037-T-C. GRCh37 (hg19) VCF-style: chr19-46269295-T-C.
Other names: short protein forms I562V.
Identifiers: ClinVar variation 4697244 (VCV004697244.1).